The following is an entry in ClinVar:

ClinVar aggregate classification (germline): Uncertain significance. Review status: criteria provided, multiple submitters, no conflicts (2 of 4 stars). 2 submissions from 2 submitters: Uncertain significance (2). Last evaluated 2025-09-26.

Conditions:
Cardiovascular phenotype. Identifiers: MedGen CN230736.
Hereditary cancer-predisposing syndrome. Also called: Hereditary neoplastic syndrome; Tumor predisposition; Neoplastic Syndromes, Hereditary; Hereditary Cancer Syndrome. Identifiers: Orphanet 140162, MedGen C0027672, MeSH D009386, MONDO:0015356.
Neurofibromatosis, type 1 (NF1). Also called: Neurofibromatosis, type I; VON RECKLINGHAUSEN DISEASE; NEUROFIBROMATOSIS, TYPE I, SOMATIC; Peripheral type neurofibromatosis. Identifiers: Orphanet 636, MedGen C0027831, MONDO:0018975, OMIM 162200. Disease mechanism: loss of function.

Allele frequency attached by ClinVar (database versions not stated): gnomAD exomes below 0.00001.
gnomAD v4.1: 6 of 1,613,878 alleles (0.00037%); highest among the groups gnomAD compares: Non-Finnish European, 0.00051%; no homozygotes.

Submissions (2):

Ambry Genetics
Classification: Uncertain significance for Cardiovascular phenotype; Hereditary cancer-predisposing syndrome. Last evaluated: 2025-09-26. Review status: criteria provided, single submitter. Criteria: Ambry Variant Classification Scheme 2023. Collection method: clinical testing. Allele origin: germline.
Comment: The p.T2609I variant (also known as c.7826C>T), located in coding exon 53 of the NF1 gene, results from a C to T substitution at nucleotide position 7826. The threonine at codon 2609 is replaced by isoleucine, an amino acid with similar properties. This amino acid position is highly conserved in available vertebrate species. In addition, this alteration is predicted to be tolerated by in silico analysis. Since supporting evidence is limited at this time, the clinical significance of this alteration remains unclear.

Labcorp Genetics (formerly Invitae), Labcorp
Classification: Uncertain significance for Neurofibromatosis, type 1. Last evaluated: 2021-12-02. Review status: criteria provided, single submitter. Criteria: Invitae Variant Classification Sherloc (09022015). Collection method: clinical testing. Allele origin: germline.
Comment: In summary, the available evidence is currently insufficient to determine the role of this variant in disease. Therefore, it has been classified as a Variant of Uncertain Significance. Advanced modeling of protein sequence and biophysical properties (such as structural, functional, and spatial information, amino acid conservation, physicochemical variation, residue mobility, and thermodynamic stability) performed at Invitae indicates that this missense variant is not expected to disrupt NF1 protein function. This variant has not been reported in the literature in individuals affected with NF1-related conditions. This variant is not present in population databases (gnomAD no frequency). This sequence change replaces threonine, which is neutral and polar, with isoleucine, which is neutral and non-polar, at codon 2609 of the NF1 protein (p.Thr2609Ile).

NM_001042492.3(NF1):c.7889C>T (p.Thr2630Ile)

Gene: NF1 (neurofibromin 1; plus strand). Cytogenetic location: 17q11.2.
Variant type: single nucleotide variant.
Coding change: c.7889C>T on transcript NM_001042492.3 (MANE Select); coding-DNA position 7889, C replaced by T.
Protein change: p.Thr2630Ile; replaces threonine 2630 with isoleucine.
Molecular consequence: missense variant.
Genome position (GRCh38, 1-based): chr17:31,357,288, C>T. VCF-style: chr17-31357288-C-T. GRCh37 (hg19) VCF-style: chr17-29684306-C-T.
Other names: c.7826C>T, p.Thr2609Ile (NM_000267.4); short protein forms T2609I, T2630I.
Identifiers: ClinVar variation 1476734 (VCV001476734.7), dbSNP rs1283946778, ClinGen allele CA399203395.